The following is an entry in ClinVar:

NM_000268.4(NF2):c.1317del (p.Met440fs)

Gene: NF2 (NF2, moesin-ezrin-radixin like (MERLIN) tumor suppressor; plus strand). Cytogenetic location: 22q12.2.
Variant type: Deletion.
Coding change: c.1317del on transcript NM_000268.4 (MANE Select); coding-DNA position 1317, one base deleted (G; older notation c.1317delG).
Protein change: p.Met440fs; shifts the reading frame from methionine 440.
Molecular consequence: frameshift variant. On other transcripts: intron variant (1).
Genome position (GRCh38, 1-based): chr22:29,673,463, G deleted. VCF-style (leftmost placement, unchanged base first): chr22-29673462-AG-A. GRCh37 (hg19) VCF-style: chr22-30069451-AG-A.
Other names: c.1203del, p.Met402fs (NM_001407053.1, NM_001407056.1); c.1194del, p.Met399fs (NM_001407054.1, NM_001407058.1, NM_181829.3); c.1191del, p.Met398fs (NM_001407055.1, NM_181828.3); c.1182del, p.Met395fs (NM_001407057.1, NM_001407059.1); c.1317del, p.Met440fs (NM_001407060.1, NM_001407066.1, NM_016418.5 and 2 more transcripts); c.1059del, p.Met354fs (NM_001407062.1); c.1068del, p.Met357fs (NM_001407063.1, NM_001407064.1, NM_181830.3 and 1 more transcripts); c.783del, p.Met262fs (NM_001407065.1); and 2 more; short protein forms M262fs, M354fs, M357fs, M363fs, M395fs, M398fs, M399fs, M402fs.
Identifiers: ClinVar variation 3897733 (VCV003897733.1).

ClinVar aggregate classification (oncogenicity): Likely oncogenic (1 of 4 stars; one submission).

Conditions:
Meningioma. Also called: Meningioma, somatic. Identifiers: Orphanet 2495, MedGen C0025286, MONDO:0016642, HP:0002858.

Submission:

Dr. Guy Rouleau's laboratory, McGill University
Classification: Likely oncogenic for Meningioma. Last evaluated: 2025-03-30. Review status: criteria provided, single submitter. Criteria: ClinGen/CGC/VICC Guidelines for Oncogenicity, 2022. Collection method: research. Allele origin: somatic. Affected: yes.
Comment: This frameshift variant generates a premature translational stop signal (p.Met440fs) in the NF2 gene, which is expected to result in an absent or disrupted protein product. Loss-of-function variants in NF2 are well-established as pathogenic (PMIDs: 8755919, 9643284, 16983642). This somatic variant was identified in a paired tumor-blood sequencing study of meningiomas. It has not been reported in population databases (gnomAD v2.1.1: no frequency).